The following is an entry in ClinVar:

NM_207346.3(TSEN54):c.770C>G (p.Pro257Arg)

Gene: TSEN54 (tRNA splicing endonuclease subunit 54; plus strand). Cytogenetic location: 17q25.1.
Variant type: single nucleotide variant.
Coding change: c.770C>G on transcript NM_207346.3 (MANE Select); coding-DNA position 770, C replaced by G.
Protein change: p.Pro257Arg; replaces proline 257 with arginine.
Molecular consequence: missense variant.
Genome position (GRCh38, 1-based): chr17:75,521,851, C>G. VCF-style: chr17-75521851-C-G. GRCh37 (hg19) VCF-style: chr17-73517932-C-G.
Other names: short protein forms P257R.
Identifiers: ClinVar variation 4781549 (VCV004781549.1).

ClinVar aggregate classification (germline): Uncertain significance (1 of 4 stars; one submission).

Submission:

Labcorp Genetics (formerly Invitae), Labcorp
Classification: Uncertain significance. Last evaluated: 2025-05-30. Review status: criteria provided, single submitter. Criteria: Invitae Variant Classification Sherloc (09022015). Collection method: clinical testing. Allele origin: germline.
Comment: This sequence change replaces proline, which is neutral and non-polar, with arginine, which is basic and polar, at codon 257 of the TSEN54 protein (p.Pro257Arg). This variant is not present in population databases (gnomAD no frequency). This variant has not been reported in the literature in individuals affected with TSEN54-related conditions. Invitae Evidence Modeling of protein sequence and biophysical properties (such as structural, functional, and spatial information, amino acid conservation, physicochemical variation, residue mobility, and thermodynamic stability) indicates that this missense variant is not expected to disrupt TSEN54 protein function with a negative predictive value of 95%. In summary, the available evidence is currently insufficient to determine the role of this variant in disease. Therefore, it has been classified as a Variant of Uncertain Significance.